The following is an entry in ClinVar:

NM_001372051.1(CASP8):c.761T>G (p.Leu254Arg)

Gene: CASP8 (caspase 8; plus strand). Cytogenetic location: 2q33.1.
Variant type: single nucleotide variant.
Coding change: c.761T>G on transcript NM_001372051.1 (MANE Select); coding-DNA position 761, T replaced by G.
Protein change: p.Leu254Arg; replaces leucine 254 with arginine.
Molecular consequence: missense variant. On other transcripts: synonymous variant (1), non-coding transcript variant (21), intron variant (4).
Genome position (GRCh38, 1-based): chr2:201,276,927, T>G. VCF-style: chr2-201276927-T-G. GRCh37 (hg19) VCF-style: chr2-202141650-T-G.
Other names: c.716T>G, p.Leu239Arg (NM_001080124.2, NM_001400658.1, NM_001400659.1 and 5 more transcripts); c.938T>G, p.Leu313Arg (NM_001080125.2); c.812T>G, p.Leu271Arg (NM_001228.5); c.893T>G, p.Leu298Arg (NM_001400642.1); c.794T>G, p.Leu265Arg (NM_001400645.1); c.761T>G, p.Leu254Arg (NM_001400648.1, NM_001400651.1, NM_001400653.1 and 6 more transcripts); c.692T>G, p.Leu231Arg (NM_001400664.1); c.452T>G, p.Leu151Arg (NM_001400669.1); and 7 more; short protein forms L239R, L313R, L254R, L271R, L151R, L231R, L265R, L298R.
Identifiers: ClinVar variation 639795 (VCV000639795.9), dbSNP rs1576347035, ClinGen allele CA350294407.

ClinVar aggregate classification (germline): Uncertain significance (1 of 4 stars; one submission).

Conditions:
Autoimmune lymphoproliferative syndrome type 2B. Also called: AUTOIMMUNE LYMPHOPROLIFERATIVE SYNDROME, TYPE IIB. Identifiers: Orphanet 275517, MedGen C1846545, MONDO:0011804, OMIM 607271.

Allele frequency attached by ClinVar (database versions not stated): gnomAD exomes below 0.00001.
gnomAD v4.1: 5 of 1,614,012 alleles (0.00031%); highest among the groups gnomAD compares: Non-Finnish European, 0.00042%; no homozygotes.

Submission:

Labcorp Genetics (formerly Invitae), Labcorp
Classification: Uncertain significance for Autoimmune lymphoproliferative syndrome type 2B. Last evaluated: 2018-10-29. Review status: criteria provided, single submitter. Criteria: Invitae Variant Classification Sherloc (09022015). Collection method: clinical testing. Allele origin: germline.
Comment: This variant is not present in population databases (ExAC no frequency). This sequence change replaces leucine with arginine at codon 271 of the CASP8 protein (p.Leu271Arg). The leucine residue is highly conserved and there is a moderate physicochemical difference between leucine and arginine. This variant has not been reported in the literature in individuals with CASP8-related disease. In summary, the available evidence is currently insufficient to determine the role of this variant in disease. Therefore, it has been classified as a Variant of Uncertain Significance. Algorithms developed to predict the effect of missense changes on protein structure and function are either unavailable or do not agree on the potential impact of this missense change (SIFT: "Deleterious"; PolyPhen-2: "Benign"; Align-GVGD: "Class C0").